The following is an entry in ClinVar:

ClinVar aggregate classification (germline): Pathogenic (1 of 4 stars; one submission).

Submission:

GeneDx
Classification: Pathogenic. Last evaluated: 2024-02-15. Review status: criteria provided, single submitter. Criteria: GeneDx Variant Classification Process June 2021. Collection method: clinical testing. Allele origin: germline. Affected: yes.
Comment: Frameshift variant predicted to result in protein truncation or nonsense mediated decay in a gene for which loss-of-function is a known mechanism of disease; Not observed at significant frequency in large population cohorts (gnomAD); Has not been previously published as pathogenic or benign to our knowledge

NM_023110.3(FGFR1):c.2166del (p.Ser723fs)

Gene: FGFR1 (fibroblast growth factor receptor 1; minus strand). Cytogenetic location: 8p11.23.
Variant type: Deletion.
Coding change: c.2166del on transcript NM_023110.3 (MANE Select); coding-DNA position 2166, one base deleted (C; older notation c.2166delC).
Protein change: p.Ser723fs; shifts the reading frame from serine 723.
Molecular consequence: frameshift variant.
Genome position (GRCh38, 1-based): chr8:38,414,172, G deleted on the plus strand (C on the coding strand, the reverse complement: FGFR1 is on the minus strand); the first of 3 consecutive G bases (chr8:38,414,172-38,414,174); deleting any one gives the same sequence. VCF-style (leftmost placement, unchanged base first): chr8-38414171-TG-T. GRCh37 (hg19) VCF-style: chr8-38271689-TG-T.
Other names: c.2160del, p.Ser721fs (NM_001174063.2, NM_001174065.2, NM_001354367.2 and 1 more transcripts); c.2136del, p.Ser713fs (NM_001174064.2); c.1899del, p.Ser634fs (NM_001174066.2, NM_023105.3); c.2259del, p.Ser754fs (NM_001174067.2); c.1887del, p.Ser630fs (NM_001354368.2); c.2154del, p.Ser719fs (NM_001354369.2, NM_001410922.1); c.1893del, p.Ser632fs (NM_001354370.2, NM_023106.3); c.2164delC, p.Ser723Valfs (NM_023110.2); short protein forms S630fs, S632fs, S634fs, S713fs, S719fs, S721fs, S723fs, S754fs.
Identifiers: ClinVar variation 3253559 (VCV003253559.1), dbSNP rs2536786120.